The following is an entry in ClinVar:

ClinVar aggregate classification (germline): Uncertain significance (1 of 4 stars; one submission).

Conditions:
Tumor predisposition syndrome 3 (TPDS3). Also called: Melanoma, cutaneous malignant, susceptibility to, 10; Glioma susceptibility 9; LONG TELOMERE SYNDROME, POT1-RELATED; POT1 Tumor Predisposition. Identifiers: Orphanet 618, MedGen C4014476, MONDO:0014368, OMIM 615848.

Submission:

Labcorp Genetics (formerly Invitae), Labcorp
Classification: Uncertain significance for Tumor predisposition syndrome 3. Last evaluated: 2025-12-28. Review status: criteria provided, single submitter. Criteria: Invitae Variant Classification Sherloc (09022015). Collection method: clinical testing. Allele origin: germline.
Comment: This sequence change replaces cysteine, which is neutral and slightly polar, with tryptophan, which is neutral and slightly polar, at codon 621 of the POT1 protein (p.Cys621Trp). This variant is not present in population databases (gnomAD no frequency). This variant has not been reported in the literature in individuals affected with POT1-related conditions. Invitae Evidence Modeling of protein sequence and biophysical properties (such as structural, functional, and spatial information, amino acid conservation, physicochemical variation, residue mobility, and thermodynamic stability) indicates that this missense variant is not expected to disrupt POT1 protein function with a negative predictive value of 80%. Algorithms developed to predict the effect of sequence changes on RNA splicing suggest that this variant may create or strengthen a splice site. In summary, the available evidence is currently insufficient to determine the role of this variant in disease. Therefore, it has been classified as a Variant of Uncertain Significance.

NM_015450.3(POT1):c.1863C>G (p.Cys621Trp)

Gene: POT1 (protection of telomeres 1; minus strand). Cytogenetic location: 7q31.33.
Variant type: single nucleotide variant.
Coding change: c.1863C>G on transcript NM_015450.3 (MANE Select); coding-DNA position 1863, C replaced by G.
Protein change: p.Cys621Trp; replaces cysteine 621 with tryptophan.
Molecular consequence: missense variant. On other transcripts: non-coding transcript variant (3).
Genome position (GRCh38, 1-based): chr7:124,824,004, G>C on the plus strand (C>G on the coding strand, the complement: POT1 is on the minus strand). VCF-style: chr7-124824004-G-C. GRCh37 (hg19) VCF-style: chr7-124464058-G-C.
Other names: c.1470C>G, p.Cys490Trp (NM_001042594.2); short protein forms C621W, C490W.
Identifiers: ClinVar variation 4744659 (VCV004744659.1).
Genomic context (GRCh38, chr7:124,824,004, plus strand): 5'-CTAAATTGGATGGCAATATTAGATTACATCTTCTGCAACTGTGGTGTCAAAAATCTGATA[G>C]CAAATTTGATTATCTGTTCCATTTGTGACATTGTATGACTTGATGAAGCATTCCAACCAC-3'
Protein context (NP_056265.2, residues 611-631): NVTNGTDNQI[Cys621Trp]YQIFDTTVAE